The following is an entry in ClinVar:

ClinVar aggregate classification (germline): Uncertain significance (1 of 4 stars; one submission).

Submission:

GeneDx
Classification: Uncertain significance. Last evaluated: 2025-06-20. Review status: criteria provided, single submitter. Criteria: GeneDx Variant Classification Process June 2021. Collection method: clinical testing. Allele origin: germline. Affected: yes.
Comment: Not observed at significant frequency in large population cohorts (gnomAD); In silico analysis suggests that this missense variant does not alter protein structure/function; Has not been previously published as pathogenic or benign to our knowledge; In silico analysis suggests this variant may impact gene splicing. In the absence of RNA/functional studies, the actual effect of this sequence change is unknown..

NM_020699.4(GATAD2B):c.283C>T (p.Pro95Ser)

Gene: GATAD2B (GATA zinc finger domain containing 2B; minus strand). Cytogenetic location: 1q21.3.
Variant type: single nucleotide variant.
Coding change: c.283C>T on transcript NM_020699.4 (MANE Select); coding-DNA position 283, C replaced by T.
Protein change: p.Pro95Ser; replaces proline 95 with serine.
Molecular consequence: missense variant.
Genome position (GRCh38, 1-based): chr1:153,828,065, G>A on the plus strand (C>T on the coding strand, the complement: GATAD2B is on the minus strand). VCF-style: chr1-153828065-G-A. GRCh37 (hg19) VCF-style: chr1-153800541-G-A.
Other names: short protein forms P95S.
Identifiers: ClinVar variation 4538960 (VCV004538960.1).